The following is an entry in ClinVar:

NM_015426.5(POC1A):c.589C>T (p.Pro197Ser)

Gene: POC1A (POC1 centriolar protein A; minus strand). Cytogenetic location: 3p21.2.
Variant type: single nucleotide variant.
Coding change: c.589C>T on transcript NM_015426.5 (MANE Select); coding-DNA position 589, C replaced by T.
Protein change: p.Pro197Ser; replaces proline 197 with serine.
Molecular consequence: missense variant.
Genome position (GRCh38, 1-based): chr3:52,145,936, G>A on the plus strand (C>T on the coding strand, the complement: POC1A is on the minus strand). VCF-style: chr3-52145936-G-A. GRCh37 (hg19) VCF-style: chr3-52179952-G-A.
Other names: c.589C>T, p.Pro197Ser (NM_001161580.2); c.475C>T, p.Pro159Ser (NM_001161581.2); short protein forms P159S, P197S.
Identifiers: ClinVar variation 1912671 (VCV001912671.6), dbSNP rs372698665, ClinGen allele CA2429567.

ClinVar aggregate classification (germline): Uncertain significance. Review status: criteria provided, multiple submitters, no conflicts (2 of 4 stars). 2 submissions from 2 submitters: Uncertain significance (2). Last evaluated 2022-07-05.

Conditions:
Inborn genetic diseases. Identifiers: MedGen C0950123, MeSH D030342.

Allele frequency attached by ClinVar (database versions not stated): gnomAD 0.00001.
gnomAD v4.1: 38 of 1,613,204 alleles (0.0024%); highest among the groups gnomAD compares: South Asian, 0.04%; no homozygotes.

Submissions (2):

Ambry Genetics
Classification: Uncertain significance for Inborn genetic diseases. Last evaluated: 2022-07-05. Review status: criteria provided, single submitter. Criteria: Ambry Variant Classification Scheme 2023. Collection method: clinical testing. Allele origin: germline.

Labcorp Genetics (formerly Invitae), Labcorp
Classification: Uncertain significance. Last evaluated: 2022-01-17. Review status: criteria provided, single submitter. Criteria: Invitae Variant Classification Sherloc (09022015). Collection method: clinical testing. Allele origin: germline.
Comment: This variant has not been reported in the literature in individuals affected with POC1A-related conditions. In summary, the available evidence is currently insufficient to determine the role of this variant in disease. Therefore, it has been classified as a Variant of Uncertain Significance. Algorithms developed to predict the effect of missense changes on protein structure and function are either unavailable or do not agree on the potential impact of this missense change (SIFT: "Not Available"; PolyPhen-2: "Probably Damaging"; Align-GVGD: "Not Available"). This variant is present in population databases (rs372698665, gnomAD 0.02%). This sequence change replaces proline, which is neutral and non-polar, with serine, which is neutral and polar, at codon 197 of the POC1A protein (p.Pro197Ser).